The following is an entry in ClinVar:

NM_000492.4(CFTR):c.1414_1415del (p.Met472fs)

Genes: CFTR (CF transmembrane conductance regulator; plus strand), CFTR-AS1 (CFTR antisense RNA 1; minus strand). Cytogenetic location: 7q31.2.
Variant type: Deletion.
Coding change: c.1414_1415del on transcript NM_000492.4 (MANE Select); coding-DNA positions 1414 to 1415, 2 bases deleted (AT; older notation c.1414_1415delAT).
Protein change: p.Met472fs; shifts the reading frame from methionine 472.
Molecular consequence: frameshift variant.
Genome position (GRCh38, 1-based): chr7:117,559,485-117,559,486, AT deleted; deleting any 2 consecutive bases within chr7:117,559,484-117,559,486 gives the same sequence; the c. name uses the placement nearest the transcript's 3' end. VCF-style (leftmost placement, unchanged base first): chr7-117559483-TTA-T. GRCh37 (hg19) VCF-style: chr7-117199537-TTA-T.
Other names: c.1414_1415delAT, p.Met472Glyfs (NM_000492.3); short protein forms M472fs.
Identifiers: ClinVar variation 4818473 (VCV004818473.1).

ClinVar aggregate classification (germline): Pathogenic (1 of 4 stars; one submission).

Conditions:
CFTR-related disorder (CFTR-RD). Also called: CFTR-related disorders; CFTR-related condition. Identifiers: MedGen C5924204, MONDO:7770004.

Submission:

Natera, Inc.
Classification: Pathogenic for CFTR-related disorders. Last evaluated: 2024-08-28. Review status: criteria provided, single submitter. Criteria: Natera Variant Classification Schema (03/2026). Collection method: clinical testing. Allele origin: germline.
Comment: The c.1414_1415del variant in CFTR is a frameshift variant predicted to shift the reading frame beginning at codon 472 and leads to a stop codon 9 codons downstream. This variant is expected to result in nonsense mediated decay, truncation, or a dysfunctional protein product. This variant is rare in the general population with a frequency below the threshold expected for the associated phenotype(s). This variant has been observed in one or more individuals affected with the associated recessive disease, as either homozygous or compound heterozygous with a second variant (PMID: 19050729). Given the available evidence, this variant is classified as Pathogenic.

Literature cited by the submitters: PubMed 19050729.